The following is an entry in ClinVar:

ClinVar aggregate classification (germline): Uncertain significance (1 of 4 stars; one submission).

Conditions:
Glycogen storage disease, type V (GSD5). Also called: MCARDLE DISEASE; MUSCLE GLYCOGEN PHOSPHORYLASE DEFICIENCY; MYOPHOSPHORYLASE DEFICIENCY; PYGM DEFICIENCY; McArdle type glycogen storage disease. Identifiers: Orphanet 368, MedGen C0017924, MONDO:0009293, OMIM 232600.

Submission:

Labcorp Genetics (formerly Invitae), Labcorp
Classification: Uncertain significance for Glycogen storage disease, type V. Last evaluated: 2022-06-14. Review status: criteria provided, single submitter. Criteria: Invitae Variant Classification Sherloc (09022015). Collection method: clinical testing. Allele origin: germline.
Comment: This sequence change replaces methionine, which is neutral and non-polar, with leucine, which is neutral and non-polar, at codon 120 of the PYGM protein (p.Met120Leu). This variant is not present in population databases (gnomAD no frequency). This variant has not been reported in the literature in individuals affected with PYGM-related conditions. Algorithms developed to predict the effect of missense changes on protein structure and function are either unavailable or do not agree on the potential impact of this missense change (SIFT: "Not Available"; PolyPhen-2: "Benign"; Align-GVGD: "Not Available"). In summary, the available evidence is currently insufficient to determine the role of this variant in disease. Therefore, it has been classified as a Variant of Uncertain Significance.

NM_005609.4(PYGM):c.358A>C (p.Met120Leu)

Gene: PYGM (glycogen phosphorylase, muscle associated; minus strand). Cytogenetic location: 11q13.1.
Variant type: single nucleotide variant.
Coding change: c.358A>C on transcript NM_005609.4 (MANE Select); coding-DNA position 358, A replaced by C.
Protein change: p.Met120Leu; replaces methionine 120 with leucine.
Molecular consequence: missense variant. On other transcripts: intron variant (1).
Genome position (GRCh38, 1-based): chr11:64,758,503, T>G on the plus strand (A>C on the coding strand, the complement: PYGM is on the minus strand). VCF-style: chr11-64758503-T-G. GRCh37 (hg19) VCF-style: chr11-64525975-T-G.
Other names: c.244-237A>C (NM_001164716.1); short protein forms M120L.
Identifiers: ClinVar variation 2006548 (VCV002006548.4), dbSNP rs886943655, ClinGen allele CA381109972.